The following is an entry in ClinVar:

NM_001142800.2(EYS):c.1117T>C (p.Ser373Pro)

Gene: EYS (EGF-like photoreceptor maintenance factor; minus strand). Cytogenetic location: 6q12.
Variant type: single nucleotide variant.
Coding change: c.1117T>C on transcript NM_001142800.2 (MANE Select); coding-DNA position 1117, T replaced by C.
Protein change: p.Ser373Pro; replaces serine 373 with proline.
Molecular consequence: missense variant.
Genome position (GRCh38, 1-based): chr6:65,402,545, A>G on the plus strand (T>C on the coding strand, the complement: EYS is on the minus strand). VCF-style: chr6-65402545-A-G. GRCh37 (hg19) VCF-style: chr6-66112438-A-G.
Other names: c.1117T>C, p.Ser373Pro (NM_001142801.2, NM_001292009.2, NM_198283.2); short protein forms S373P.
Identifiers: ClinVar variation 2009303 (VCV002009303.2), dbSNP rs2533367228, ClinGen allele CA364662400.

ClinVar aggregate classification (germline): Uncertain significance (1 of 4 stars; one submission).

Allele frequency attached by ClinVar (database versions not stated): gnomAD exomes below 0.00001.
gnomAD v4.1: 1 of 1,562,840 alleles (0.000064%); highest among the groups gnomAD compares: Non-Finnish European, 0.000088%; no homozygotes.

Submission:

Labcorp Genetics (formerly Invitae), Labcorp
Classification: Uncertain significance. Last evaluated: 2025-09-02. Review status: criteria provided, single submitter. Criteria: Invitae Variant Classification Sherloc (09022015). Collection method: clinical testing. Allele origin: germline.
Comment: This sequence change replaces serine, which is neutral and polar, with proline, which is neutral and non-polar, at codon 373 of the EYS protein (p.Ser373Pro). This variant is not present in population databases (gnomAD no frequency). This variant has not been reported in the literature in individuals affected with EYS-related conditions. ClinVar contains an entry for this variant (Variation ID: 2009303). Invitae Evidence Modeling of protein sequence and biophysical properties (such as structural, functional, and spatial information, amino acid conservation, physicochemical variation, residue mobility, and thermodynamic stability) indicates that this missense variant is not expected to disrupt EYS protein function with a negative predictive value of 80%. In summary, the available evidence is currently insufficient to determine the role of this variant in disease. Therefore, it has been classified as a Variant of Uncertain Significance.